The following is an entry in ClinVar:

NM_020699.4(GATAD2B):c.777_778del (p.Met259fs)

Gene: GATAD2B (GATA zinc finger domain containing 2B; minus strand). Cytogenetic location: 1q21.3.
Variant type: Deletion.
Coding change: c.777_778del on transcript NM_020699.4 (MANE Select); coding-DNA positions 777 to 778, 2 bases deleted (GT; older notation c.777_778delGT).
Protein change: p.Met259fs; shifts the reading frame from methionine 259.
Molecular consequence: frameshift variant.
Genome position (GRCh38, 1-based): chr1:153,817,494-153,817,495, AC deleted on the plus strand (GT on the coding strand, the reverse complement: GATAD2B is on the minus strand); deleting any 2 consecutive bases within chr1:153,817,494-153,817,496 gives the same sequence; the c. name uses the placement nearest the transcript's 3' end. VCF-style (leftmost placement, unchanged base first): chr1-153817493-AAC-A. GRCh37 (hg19) VCF-style: chr1-153789969-AAC-A.
Other names: short protein forms M259fs.
Identifiers: ClinVar variation 1320103 (VCV001320103.1), dbSNP rs2101880773, ClinGen allele CA2573051369.

ClinVar aggregate classification (germline): Pathogenic (1 of 4 stars; one submission).

Conditions:
Severe intellectual disability-poor language-strabismus-grimacing face-long fingers syndrome (GAND). Also called: GAND SYNDROME. Identifiers: Orphanet 363686, MedGen C3554448, MONDO:0014034, OMIM 615074.

Submission:

3billion
Classification: Pathogenic for Severe intellectual disability-poor language-strabismus-grimacing face-long fingers syndrome. Last evaluated: 2021-10-02. Review status: criteria provided, single submitter. Criteria: ACMG Guidelines, 2015. Collection method: clinical testing. Allele origin: germline. Affected: yes. Observed: 1 heterozygote.
Comment: Frameshift: predicted to result in a loss or disruption of normal protein function through nonsense-mediated decay (NMD) or protein truncation. Multiple pathogenic variants are reported downstream of the variant (PVS1_VS). The variant was observed as assumed (i.e. paternity and maternity not confirmed) de novoo (3billion dataset, PM6). It is not observed in the gnomAD v2.1.1 dataset (PM2). Therefore, this variant is classified as pathogenic according to the recommendation of ACMG/AMP guideline.